The following is an entry in ClinVar:

ClinVar aggregate classification (germline): Uncertain significance. Review status: criteria provided, multiple submitters, no conflicts (2 of 4 stars). 2 submissions from 2 submitters: Uncertain significance (2). Last evaluated 2023-10-17.

Conditions:
Dyskeratosis congenita, autosomal dominant 2. Identifiers: MedGen C3151443, MONDO:0013521, OMIM 613989.
Dyskeratosis congenita. Identifiers: Orphanet 1775, MedGen C0265965, MONDO:0015780.

Allele frequency attached by ClinVar (database versions not stated): TOPMed below 0.00001.

Submissions (2):

Baylor Genetics
Classification: Uncertain significance for Dyskeratosis congenita, autosomal dominant 2. Last evaluated: 2023-10-17. Review status: criteria provided, single submitter. Criteria: ACMG Guidelines, 2015. Collection method: clinical testing. Allele origin: unknown.

Ambry Genetics
Classification: Uncertain significance for Dyskeratosis congenita. Last evaluated: 2022-03-23. Review status: criteria provided, single submitter. Criteria: Ambry Variant Classification Scheme 2023. Collection method: clinical testing. Allele origin: germline.
Comment: The p.A1052S variant (also known as c.3154G>T), located in coding exon 14 of the TERT gene, results from a G to T substitution at nucleotide position 3154. The alanine at codon 1052 is replaced by serine, an amino acid with similar properties. This amino acid position is conserved. In addition, this alteration is predicted to be tolerated by in silico analysis. Since supporting evidence is limited at this time, the clinical significance of this alteration remains unclear.

NM_198253.3(TERT):c.3154G>T (p.Ala1052Ser)

Gene: TERT (telomerase reverse transcriptase; minus strand). Cytogenetic location: 5p15.33.
Variant type: single nucleotide variant.
Coding change: c.3154G>T on transcript NM_198253.3 (MANE Select); coding-DNA position 3154, G replaced by T.
Protein change: p.Ala1052Ser; replaces alanine 1052 with serine.
Molecular consequence: missense variant. On other transcripts: non-coding transcript variant (2).
Genome position (GRCh38, 1-based): chr5:1,255,290, C>A on the plus strand (G>T on the coding strand, the complement: TERT is on the minus strand). VCF-style: chr5-1255290-C-A. GRCh37 (hg19) VCF-style: chr5-1255405-C-A.
Other names: c.2965G>T, p.Ala989Ser (NM_001193376.3); c.3154G>T, p.Ala1052Ser (NM_003219.1); short protein forms A1052S, A989S.
Identifiers: ClinVar variation 1728225 (VCV001728225.3), dbSNP rs968981940, ClinGen allele CA359067998.